The following is an entry in ClinVar:

NM_001453.3(FOXC1):c.1482_1484dup (p.Ala495_Gly496insAla)

Gene: FOXC1 (forkhead box C1; plus strand). Cytogenetic location: 6p25.3.
Variant type: Duplication.
Coding change: c.1482_1484dup on transcript NM_001453.3 (MANE Select); coding-DNA positions 1482 to 1484, 3 bases duplicated (CGC; older notation c.1482_1484dupCGC).
Protein change: p.Ala495_Gly496insAla.
Molecular consequence: inframe insertion.
Genome position (GRCh38, 1-based): chr6:1,611,927-1,611,929, CGC duplicated; duplicating any 3 consecutive bases within chr6:1,611,925-1,611,929 gives the same sequence; the c. name uses the placement nearest the transcript's 3' end. VCF-style (leftmost placement, unchanged base first): chr6-1611924-G-GGCC. GRCh37 (hg19) VCF-style: chr6-1612159-G-GGCC.
Identifiers: ClinVar variation 2181203 (VCV002181203.5), dbSNP rs1284834406, ClinGen allele CA565356245.

ClinVar aggregate classification (germline): Uncertain significance. Review status: criteria provided, multiple submitters, no conflicts (2 of 4 stars). 2 submissions from 2 submitters: Uncertain significance (2). Last evaluated 2025-05-04.

Conditions:
Anterior segment dysgenesis 3 (ASGD3). Also called: IRIDOGONIODYSGENESIS ANOMALY, AUTOSOMAL DOMINANT; Glaucoma iridogoniodysplasia, familial. Identifiers: Orphanet 91483, MedGen C5975707, MONDO:0024456, OMIM 601631.
Axenfeld-Rieger syndrome type 3 (RIEG3). Also called: AXENFELD-RIEGER ANOMALY WITH CARDIAC DEFECTS AND/OR SENSORINEURAL HEARING LOSS. Identifiers: Orphanet 782, MedGen C2678503, MONDO:0011233, OMIM 602482.

Submissions (2):

Labcorp Genetics (formerly Invitae), Labcorp
Classification: Uncertain significance for Axenfeld-Rieger syndrome type 3. Last evaluated: 2025-05-04. Review status: criteria provided, single submitter. Criteria: Invitae Variant Classification Sherloc (09022015). Collection method: clinical testing. Allele origin: germline.
Comment: This variant, c.1482_1484dup, results in the insertion of 1 amino acid(s) of the FOXC1 protein (p.Ala495dup), but otherwise preserves the integrity of the reading frame. This variant is present in population databases (no rsID available, gnomAD 0.004%). This variant has not been reported in the literature in individuals affected with FOXC1-related conditions. ClinVar contains an entry for this variant (Variation ID: 2181203). Experimental studies and prediction algorithms are not available or were not evaluated, and the functional significance of this variant is currently unknown. In summary, the available evidence is currently insufficient to determine the role of this variant in disease. Therefore, it has been classified as a Variant of Uncertain Significance.

Fulgent Genetics
Classification: Uncertain significance for Anterior segment dysgenesis 3; Axenfeld-Rieger syndrome type 3. Last evaluated: 2024-05-31. Review status: criteria provided, single submitter. Criteria: ACMG Guidelines, 2015. Collection method: clinical testing. Allele origin: germline.